The following is an entry in ClinVar:

NM_206933.4(USH2A):c.6369C>T (p.Cys2123=)

Gene: USH2A (usherin; minus strand). Cytogenetic location: 1q41.
Variant type: single nucleotide variant.
Coding change: c.6369C>T on transcript NM_206933.4 (MANE Select); coding-DNA position 6369, C replaced by T.
Protein change: p.Cys2123=; no amino-acid change (cysteine 2123 retained).
Molecular consequence: synonymous variant.
Genome position (GRCh38, 1-based): chr1:216,000,519, G>A on the plus strand (C>T on the coding strand, the complement: USH2A is on the minus strand). VCF-style: chr1-216000519-G-A. GRCh37 (hg19) VCF-style: chr1-216173861-G-A.
Identifiers: ClinVar variation 48560 (VCV000048560.32), dbSNP rs111033472, ClinGen allele CA143556.

ClinVar aggregate classification (germline): Benign. Review status: criteria provided, multiple submitters, no conflicts (2 of 4 stars). 8 submissions from 7 submitters: Benign (8). Last evaluated 2026-02-04.

Conditions:
Retinitis pigmentosa 39 (RP39). Identifiers: Orphanet 791, MedGen C3151138, MONDO:0013436, OMIM 613809.
Usher syndrome type 2A. Also called: RETINAL DISEASE IN USHER SYNDROME TYPE IIA, MODIFIER OF; USHER SYNDROME, TYPE IIA. Identifiers: Orphanet 231178, Orphanet 886, MedGen C1848634, MONDO:0010169, OMIM 276901.

Allele frequency attached by ClinVar (database versions not stated): gnomAD exomes 0.00166 and 0.00409; ExAC 0.00505; gnomAD 0.01438 and 0.01557; 1000 Genomes Project 0.01518; ESP Exome Variant Server 0.01553; 1000 Genomes Project 30x 0.01608; TOPMed 0.01654.
gnomAD v4.1: 4,744 of 1,613,642 alleles (0.29%); highest among the groups gnomAD compares: African/African-American, 4.9%; 89 homozygotes.

Submissions (8):

Labcorp Genetics (formerly Invitae), Labcorp
Classification: Benign. Last evaluated: 2026-02-04. Review status: criteria provided, single submitter. Criteria: Invitae Variant Classification Sherloc (09022015). Collection method: clinical testing. Allele origin: germline.

ARUP Laboratories, Molecular Genetics and Genomics, ARUP Laboratories
Classification: Benign. Last evaluated: 2023-11-08. Review status: criteria provided, single submitter. Criteria: ARUP Molecular Germline Variant Investigation Process 2024. Collection method: clinical testing. Allele origin: germline.

Genome-Nilou Lab
Classification: Benign for Retinitis pigmentosa 39. Last evaluated: 2023-11-04. Review status: criteria provided, single submitter. Criteria: ACMG Guidelines, 2015. Collection method: clinical testing. Allele origin: germline. Affected: no.

Genome-Nilou Lab
Classification: Benign for Usher syndrome type 2A. Last evaluated: 2023-11-04. Review status: criteria provided, single submitter. Criteria: ACMG Guidelines, 2015. Collection method: clinical testing. Allele origin: germline. Affected: no.

Athena Diagnostics
Classification: Benign. Last evaluated: 2018-11-12. Review status: criteria provided, single submitter. Criteria: Athena Diagnostics Criteria. Collection method: clinical testing. Allele origin: germline.

GeneDx
Classification: Benign. Last evaluated: 2015-03-03. Review status: criteria provided, single submitter. Criteria: GeneDx Variant Classification Process June 2021. Collection method: clinical testing. Allele origin: germline. Affected: yes.

Laboratory for Molecular Medicine, Mass General Brigham Personalized Medicine
Classification: Benign. Last evaluated: 2011-11-03. Review status: criteria provided, single submitter. Criteria: LMM Criteria. Collection method: clinical testing. Allele origin: germline. Observed: 32 variant alleles.
Comment: Cys2123Cys in exon 33 of USH2A: This variant is not expected to have clinical si gnificance because it does not alter an amino acid residue, is not located near a splice junction and has been identified in 1.7% (77/4550) of control chromosom es (dbSNP rs111033472).

Breakthrough Genomics
Classification: Benign. Review status: criteria provided, single submitter. Criteria: ACMG Guidelines, 2015. Collection method: not provided. Allele origin: germline. Inheritance: Autosomal recessive inheritance. Affected: yes.